The following is an entry in ClinVar:

ClinVar aggregate classification (germline): Likely benign (1 of 4 stars; one submission).

Allele frequency attached by ClinVar (database versions not stated): gnomAD 0.00822 and 0.00858; TOPMed 0.00933; 1000 Genomes Project 0.01018; 1000 Genomes Project 30x 0.01093.

Submission:

GeneDx
Classification: Likely benign. Last evaluated: 2018-06-14. Review status: criteria provided, single submitter. Criteria: GeneDx Variant Classification (06012015). Collection method: clinical testing. Allele origin: germline. Affected: yes.
Comment: This variant is considered likely benign or benign based on one or more of the following criteria: it is a conservative change, it occurs at a poorly conserved position in the protein, it is predicted to be benign by multiple in silico algorithms, and/or has population frequency not consistent with disease.

NM_001457.4(FLNB):c.5426-272_5426-271insAT

Gene: FLNB (filamin B; plus strand). Cytogenetic location: 3p14.3.
Variant type: Insertion.
Coding change: c.5426-272_5426-271insAT on transcript NM_001457.4 (MANE Select); 272 bases into the intron before coding-DNA position 5426 through 271 bases into the intron before coding-DNA position 5426, AT inserted.
Molecular consequence: intron variant.
Genome position: GRCh38 VCF-style: chr3-58145649-G-GAT. GRCh37 (hg19) VCF-style: chr3-58131376-G-GAT.
Other names: c.5519-272_5519-271insAT (NM_001164317.2); c.5393-272_5393-271insAT (NM_001164318.2); c.5354-272_5354-271insAT (NM_001164319.2).
Identifiers: ClinVar variation 671134 (VCV000671134.1), dbSNP rs10663545, ClinGen allele CA75467208.
Genomic context (GRCh38, chr3:58,145,649, plus strand): 5'-GCCATGGGTCCTTTCACCACCCAGTGCAAAAGTTTCTTCCTTATTTGTCAGGTTGGGCTG[G>GAT]TACCTTACCTTAGCCCCCTTCCTCATCTGGAGCAGCTTCCAGGATTGTTTTTCTTATGTT-3'